The following is an entry in ClinVar:

ClinVar aggregate classification (germline): Uncertain significance. Review status: criteria provided, multiple submitters, no conflicts (2 of 4 stars). 2 submissions from 2 submitters: Uncertain significance (2). Last evaluated 2025-08-22.

Conditions:
Neurofibromatosis, type 1 (NF1). Also called: NEUROFIBROMATOSIS, TYPE I, SOMATIC; Peripheral type neurofibromatosis; VON RECKLINGHAUSEN DISEASE; Neurofibromatosis, type I. Identifiers: Orphanet 636, MedGen C0027831, MONDO:0018975, OMIM 162200. Disease mechanism: loss of function.
Cardiovascular phenotype. Identifiers: MedGen CN230736.
Hereditary cancer-predisposing syndrome. Also called: Hereditary Cancer Syndrome; Hereditary neoplastic syndrome; Neoplastic Syndromes, Hereditary; Tumor predisposition. Identifiers: Orphanet 140162, MedGen C0027672, MeSH D009386, MONDO:0015356.

gnomAD v4.1: 2 of 1,613,778 alleles (0.00012%); highest among the groups gnomAD compares: Non-Finnish European, 0.00017%; no homozygotes.

Submissions (2):

Ambry Genetics
Classification: Uncertain significance for Cardiovascular phenotype; Hereditary cancer-predisposing syndrome. Last evaluated: 2025-08-22. Review status: criteria provided, single submitter. Criteria: Ambry Variant Classification Scheme 2023. Collection method: clinical testing. Allele origin: germline.
Comment: The p.P795T variant (also known as c.2383C>A), located in coding exon 20 of the NF1 gene, results from a C to A substitution at nucleotide position 2383. The proline at codon 795 is replaced by threonine, an amino acid with highly similar properties. This amino acid position is conserved. In addition, the in silico prediction for this alteration is inconclusive. Based on the available evidence, the clinical significance of this variant remains unclear.

Labcorp Genetics (formerly Invitae), Labcorp
Classification: Uncertain significance for Neurofibromatosis, type 1. Last evaluated: 2023-07-06. Review status: criteria provided, single submitter. Criteria: Invitae Variant Classification Sherloc (09022015). Collection method: clinical testing. Allele origin: germline.
Comment: This sequence change replaces proline, which is neutral and non-polar, with threonine, which is neutral and polar, at codon 795 of the NF1 protein (p.Pro795Thr). This variant is not present in population databases (gnomAD no frequency). This variant has not been reported in the literature in individuals affected with NF1-related conditions. Advanced modeling of protein sequence and biophysical properties (such as structural, functional, and spatial information, amino acid conservation, physicochemical variation, residue mobility, and thermodynamic stability) performed at Invitae indicates that this missense variant is expected to disrupt NF1 protein function. In summary, the available evidence is currently insufficient to determine the role of this variant in disease. Therefore, it has been classified as a Variant of Uncertain Significance.

NM_001042492.3(NF1):c.2383C>A (p.Pro795Thr)

Gene: NF1 (neurofibromin 1; plus strand). Cytogenetic location: 17q11.2.
Variant type: single nucleotide variant.
Coding change: c.2383C>A on transcript NM_001042492.3 (MANE Select); coding-DNA position 2383, C replaced by A.
Protein change: p.Pro795Thr; replaces proline 795 with threonine.
Molecular consequence: missense variant.
Genome position (GRCh38, 1-based): chr17:31,227,580, C>A. VCF-style: chr17-31227580-C-A. GRCh37 (hg19) VCF-style: chr17-29554598-C-A.
Other names: c.2383C>A, p.Pro795Thr (NM_000267.4); short protein forms P795T.
Identifiers: ClinVar variation 2807963 (VCV002807963.4), dbSNP rs761023505, ClinGen allele CA398983229.